The following is an entry in ClinVar:

NM_033118.4(MYLK2):c.1699A>G (p.Arg567Gly)

Gene: MYLK2 (myosin light chain kinase 2; plus strand). Cytogenetic location: 20q11.21.
Variant type: single nucleotide variant.
Coding change: c.1699A>G on transcript NM_033118.4 (MANE Select); coding-DNA position 1699, A replaced by G.
Protein change: p.Arg567Gly; replaces arginine 567 with glycine.
Molecular consequence: missense variant.
Genome position (GRCh38, 1-based): chr20:31,832,125, A>G. VCF-style: chr20-31832125-A-G. GRCh37 (hg19) VCF-style: chr20-30419928-A-G.
Other names: short protein forms R567G.
Identifiers: ClinVar variation 1513945 (VCV001513945.6), dbSNP rs1600414546, ClinGen allele CA408528472.
Genomic context (GRCh38, chr20:31,832,125, plus strand): 5'-GCCAAACGCTGTAACCGACGCCTTAAGTCCCAGATCTTGCTTAAGAAATACCTCATGAAG[A>G]GGCGCTGGAAGGTACCGCTGGATTCAGGGTGGGGAGGGAGGGCTTGCTAGTGGGAAGAGC-3'
Protein context (NP_149109.1, residues 557-577): QILLKKYLMK[Arg567Gly]RWKKNFIAVS

ClinVar aggregate classification (germline): Uncertain significance (1 of 4 stars; one submission).

Conditions:
Hypertrophic cardiomyopathy 1 (CMH1). Also called: MYH7-Related Familial Hypertrophic Cardiomyopathy; Familial hypertrophic cardiomyopathy 1. Identifiers: MedGen C3495498, MONDO:0008647, OMIM 192600.

Allele frequency attached by ClinVar (database versions not stated): gnomAD exomes below 0.00001.

Submission:

Labcorp Genetics (formerly Invitae), Labcorp
Classification: Uncertain significance for Hypertrophic cardiomyopathy 1. Last evaluated: 2021-10-09. Review status: criteria provided, single submitter. Criteria: Invitae Variant Classification Sherloc (09022015). Collection method: clinical testing. Allele origin: germline.
Comment: In summary, the available evidence is currently insufficient to determine the role of this variant in disease. Therefore, it has been classified as a Variant of Uncertain Significance. Algorithms developed to predict the effect of missense changes on protein structure and function (SIFT, PolyPhen-2, Align-GVGD) all suggest that this variant is likely to be disruptive. This variant has not been reported in the literature in individuals affected with MYLK2-related conditions. This variant is not present in population databases (ExAC no frequency). This sequence change replaces arginine with glycine at codon 567 of the MYLK2 protein (p.Arg567Gly). The arginine residue is highly conserved and there is a moderate physicochemical difference between arginine and glycine.